The following is an entry in ClinVar:

NM_182931.3(KMT2E):c.1524T>C (p.Asn508=)

Gene: KMT2E (lysine methyltransferase 2E (inactive); plus strand). Cytogenetic location: 7q22.3.
Variant type: single nucleotide variant.
Coding change: c.1524T>C on transcript NM_182931.3 (MANE Select); coding-DNA position 1524, T replaced by C.
Protein change: p.Asn508=; no amino-acid change (asparagine 508 retained).
Molecular consequence: synonymous variant.
Genome position (GRCh38, 1-based): chr7:105,090,174, T>C. VCF-style: chr7-105090174-T-C. GRCh37 (hg19) VCF-style: chr7-104730621-T-C.
Other names: c.1524T>C, p.Asn508= (NM_001410908.1, NM_018682.4).
Identifiers: ClinVar variation 4994353 (VCV004994353.1).

ClinVar aggregate classification (germline): Likely benign (1 of 4 stars; one submission).

Conditions:
KMT2E-related disorder. Also called: KMT2E-related condition.

Submission:

PreventionGenetics, part of Exact Sciences
Classification: Likely benign for KMT2E-related condition. Last evaluated: 2026-06-11. Review status: criteria provided, single submitter. Criteria: ACMG Guidelines, 2015. Collection method: clinical testing. Allele origin: germline.
Comment: This variant is classified as likely benign based on ACMG/AMP sequence variant interpretation guidelines (Richards et al. 2015 PMID: 25741868, with internal and published modifications).